The following is an entry in ClinVar:

ClinVar aggregate classification (germline): Uncertain significance. Review status: criteria provided, multiple submitters, no conflicts (2 of 4 stars). 3 submissions from 3 submitters: Uncertain significance (3). Last evaluated 2025-11-26.

Conditions:
Hereditary cancer-predisposing syndrome. Also called: Hereditary Cancer Syndrome; Tumor predisposition; Hereditary neoplastic syndrome; Neoplastic Syndromes, Hereditary. Identifiers: Orphanet 140162, MedGen C0027672, MeSH D009386, MONDO:0015356.
Familial cancer of breast. Also called: hereditary breast carcinoma; Hereditary breast cancer; BREAST CANCER, FAMILIAL. Identifiers: Orphanet 227535, MedGen C0346153, MONDO:0016419, OMIM 114480. Disease mechanism: loss of function.

Allele frequency attached by ClinVar (database versions not stated): gnomAD exomes below 0.00001.
gnomAD v4.1: 1 of 1,614,046 alleles (0.000062%); highest among the groups gnomAD compares: Non-Finnish European, 0.000085%; no homozygotes.

Submissions (3):

Mayo Clinic Laboratories, Mayo Clinic
Classification: Uncertain significance. Last evaluated: 2025-11-26. Review status: criteria provided, single submitter. Criteria: ACMG Guidelines, 2015. Collection method: clinical testing. Allele origin: germline. Observed: 1 variant allele.
Comment: BP1, PM2_supporting

Labcorp Genetics (formerly Invitae), Labcorp
Classification: Uncertain significance for Familial cancer of breast. Last evaluated: 2025-07-16. Review status: criteria provided, single submitter. Criteria: Invitae Variant Classification Sherloc (09022015). Collection method: clinical testing. Allele origin: germline.
Comment: This sequence change replaces leucine, which is neutral and non-polar, with arginine, which is basic and polar, at codon 1074 of the PALB2 protein (p.Leu1074Arg). This variant is not present in population databases (gnomAD no frequency). This variant has not been reported in the literature in individuals affected with PALB2-related conditions. ClinVar contains an entry for this variant (Variation ID: 1044157). An algorithm developed to predict the effect of missense changes on protein structure and function (PolyPhen-2) suggests that this variant is likely to be disruptive. In summary, the available evidence is currently insufficient to determine the role of this variant in disease. Therefore, it has been classified as a Variant of Uncertain Significance.

Ambry Genetics
Classification: Uncertain significance for Hereditary cancer-predisposing syndrome. Last evaluated: 2024-04-05. Review status: criteria provided, single submitter. Criteria: Ambry Variant Classification Scheme 2023. Collection method: clinical testing. Allele origin: germline.
Comment: The p.L1074R variant (also known as c.3221T>G), located in coding exon 12 of the PALB2 gene, results from a T to G substitution at nucleotide position 3221. The leucine at codon 1074 is replaced by arginine, an amino acid with dissimilar properties. This amino acid position is conserved. In addition, the in silico prediction for this alteration is inconclusive. Based on the available evidence, the clinical significance of this variant remains unclear.

NM_024675.4(PALB2):c.3221T>G (p.Leu1074Arg)

Gene: PALB2 (partner and localizer of BRCA2; minus strand). Cytogenetic location: 16p12.2.
Variant type: single nucleotide variant.
Coding change: c.3221T>G on transcript NM_024675.4 (MANE Select); coding-DNA position 3221, T replaced by G.
Protein change: p.Leu1074Arg; replaces leucine 1074 with arginine.
Molecular consequence: missense variant.
Genome position (GRCh38, 1-based): chr16:23,607,993, A>C on the plus strand (T>G on the coding strand, the complement: PALB2 is on the minus strand). VCF-style: chr16-23607993-A-C. GRCh37 (hg19) VCF-style: chr16-23619314-A-C.
Other names: p.Leu1074Arg; c.3221T>G (NM_024675.3); short protein forms L1074R.
Identifiers: ClinVar variation 1044157 (VCV001044157.9), dbSNP rs1966512549, ClinGen allele CA395140056.